The following is an entry in ClinVar:

NM_001009944.3(PKD1):c.12252_12253del (p.Leu4085fs)

Gene: PKD1 (polycystin 1, transient receptor potential channel interacting; minus strand). Cytogenetic location: 16p13.3.
Variant type: Deletion.
Coding change: c.12252_12253del on transcript NM_001009944.3 (MANE Select); coding-DNA positions 12252 to 12253, 2 bases deleted (CC; older notation c.12252_12253delCC).
Protein change: p.Leu4085fs; shifts the reading frame from leucine 4085.
Molecular consequence: frameshift variant.
Genome position (GRCh38, 1-based): chr16:2,090,476-2,090,477, GG deleted on the plus strand (CC on the coding strand, the reverse complement: PKD1 is on the minus strand); deleting any 2 consecutive bases within chr16:2,090,476-2,090,479 gives the same sequence; the c. name uses the placement nearest the transcript's 3' end. VCF-style (leftmost placement, unchanged base first): chr16-2090475-AGG-A. GRCh37 (hg19) VCF-style: chr16-2140476-AGG-A.
Other names: c.12249_12250del, p.Leu4084fs (NM_000296.4); short protein forms L4085fs, L4084fs.
Identifiers: ClinVar variation 3335838 (VCV003335838.2).

ClinVar aggregate classification (germline): Pathogenic (1 of 4 stars; one submission).

Conditions:
Polycystic kidney disease, adult type (PKD1). Also called: Polycystic Kidney, Autosomal Dominant; POLYCYSTIC KIDNEY DISEASE 1 WITH OR WITHOUT POLYCYSTIC LIVER DISEASE; POLYCYSTIC KIDNEY DISEASE, ADULT, TYPE I; Polycystic Kidney Disease 1, Autosomal Dominant; Polycystic kidney disease 1; Polycystic kidney disease 1, severe. Identifiers: MedGen C3149841, MONDO:0008263, OMIM 173900.

Submission:

Juno Genomics, Hangzhou Juno Genomics, Inc
Classification: Pathogenic for Polycystic kidney disease, adult type. Review status: criteria provided, single submitter. Criteria: ACMG Guidelines, 2015. Collection method: clinical testing. Allele origin: germline. Affected: yes.
Comment: Absent from controls (or at extremely low frequency if recessive) in Genome Aggregation Database, Exome Sequencing Project, 1000 Genomes Project, or Exome Aggregation Consortium.;Null variant in a gene where loss of function (LOF) is a known mechanism of disease.;Patient's phenotype or family history is highly specific for a disease with a single genetic etiology.